The following is an entry in ClinVar:

ClinVar aggregate classification (germline): Uncertain significance (1 of 4 stars; one submission).

gnomAD v4.1: 32 of 1,614,110 alleles (0.002%); highest among the groups gnomAD compares: East Asian, 0.0045%; no homozygotes.

Submission:

Ambry Genetics
Classification: Uncertain significance. Last evaluated: 2025-09-21. Review status: criteria provided, single submitter. Criteria: Ambry Variant Classification Scheme 2023. Collection method: clinical testing. Allele origin: germline.
Comment: The c.814C>T (p.R272W) alteration is located in exon 5 (coding exon 5) of the MKRN2 gene. This alteration results from a C to T substitution at nucleotide position 814, causing the arginine (R) at amino acid position 272 to be replaced by a tryptophan (W). Based on data from gnomAD, the T allele has an overall frequency of 0.001% (2/282854) total alleles studied. The highest observed frequency was 0.003% (1/35434) of Latino alleles. Based on insufficient or conflicting evidence, the clinical significance of this alteration remains unclear.

NM_014160.5(MKRN2):c.814C>T (p.Arg272Trp)

Gene: MKRN2 (makorin ring finger protein 2; plus strand). Cytogenetic location: 3p25.2.
Variant type: single nucleotide variant.
Coding change: c.814C>T on transcript NM_014160.5 (MANE Select); coding-DNA position 814, C replaced by T.
Protein change: p.Arg272Trp; replaces arginine 272 with tryptophan.
Molecular consequence: missense variant.
Genome position (GRCh38, 1-based): chr3:12,574,963, C>T. VCF-style: chr3-12574963-C-T. GRCh37 (hg19) VCF-style: chr3-12616462-C-T.
Other names: c.685C>T, p.Arg229Trp (NM_001271707.2); short protein forms R229W, R272W.
Identifiers: ClinVar variation 4552021 (VCV004552021.1).